The following is an entry in ClinVar:

ClinVar aggregate classification (germline): Conflicting classifications of pathogenicity. Review status: criteria provided, conflicting classifications (1 of 4 stars). 4 submissions from 4 submitters: Uncertain significance (1); Likely benign (1). 2 of the submissions do not count toward it. Last evaluated 2025-10-30.

Conditions:
Cardiovascular phenotype. Identifiers: MedGen CN230736.
Cardiomyopathy (CMYO). Also called: Cardiomyopathies. Identifiers: Orphanet 167848, MedGen C0878544, MONDO:0004994, HP:0001638. Inheritance: Various modes of inheritance.

Allele frequency attached by ClinVar (database versions not stated): gnomAD 0.00001; gnomAD exomes 0.00001.
gnomAD v4.1: 6 of 1,611,496 alleles (0.00037%); highest among the groups gnomAD compares: South Asian, 0.0044%; no homozygotes.

Submissions (4):

Ambry Genetics
Classification: Uncertain significance for Cardiovascular phenotype. Last evaluated: 2025-10-30. Review status: criteria provided, single submitter. Criteria: Ambry Variant Classification Scheme 2023. Collection method: clinical testing. Allele origin: germline.
Comment: The c.706-3C>T intronic variant results from a C to T substitution 3 nucleotides upstream from coding exon 9 in the TMEM43 gene. This nucleotide position is well conserved in available vertebrate species. In silico splice site analysis predicts that this alteration will not have any significant effect on splicing. Based on the available evidence, the clinical significance of this variant remains unclear.

Color Diagnostics, LLC DBA Color Health
Classification: Likely benign for Cardiomyopathy. Last evaluated: 2023-12-13. Review status: criteria provided, single submitter. Criteria: ACMG Guidelines, 2015. Collection method: clinical testing. Allele origin: germline.

Clinical Genetics, Academic Medical Center
Classification: Likely benign. Review status: no assertion criteria provided. Collection method: clinical testing. Allele origin: germline. Affected: yes. Study: VKGL Data-share Consensus. Not counted in ClinVar's aggregate classification.

Joint Genome Diagnostic Labs from Nijmegen and Maastricht, Radboudumc and MUMC+
Classification: Likely benign. Review status: no assertion criteria provided. Collection method: clinical testing. Allele origin: germline. Affected: yes. Study: VKGL Data-share Consensus. Not counted in ClinVar's aggregate classification.

NM_024334.3(TMEM43):c.706-3C>T

Gene: TMEM43 (transmembrane protein 43; plus strand). Cytogenetic location: 3p25.1.
Variant type: single nucleotide variant.
Coding change: c.706-3C>T on transcript NM_024334.3 (MANE Select); 3 bases into the intron before coding-DNA position 706, C replaced by T.
Molecular consequence: intron variant.
Genome position (GRCh38, 1-based): chr3:14,135,155, C>T. VCF-style: chr3-14135155-C-T. GRCh37 (hg19) VCF-style: chr3-14176655-C-T.
Other names: c.706-3C>T (NM_024334.2).
Identifiers: ClinVar variation 1284801 (VCV001284801.7), dbSNP rs1212663056, ClinGen allele CA541296919.
Genomic context (GRCh38, chr3:14,135,155, plus strand): 5'-CTGGACCTGGGCCTGGGCCAGCTACTCCGTTCCTCACTCTCCCTGCTTCTCTTCCACCCC[C>T]AGGTGGGAGACTTGCGTGTCTCCTTTTCCTATGCTGGACTGAGCGGCGATGACCCTGACC-3'